The following is an entry in ClinVar:

ClinVar aggregate classification (germline): Uncertain significance (1 of 4 stars; one submission).

Submission:

GeneDx
Classification: Uncertain significance. Last evaluated: 2020-08-21. Review status: criteria provided, single submitter. Criteria: GeneDx Variant Classification Process June 2021. Collection method: clinical testing. Allele origin: germline. Affected: yes.
Comment: Not observed in large population cohorts (Lek et al., 2016); In silico analysis supports that this missense variant does not alter protein structure/function; Has not been previously published as pathogenic or benign to our knowledge

NM_006371.5(CRTAP):c.1090G>A (p.Val364Met)

Gene: CRTAP (cartilage associated protein; plus strand). Cytogenetic location: 3p22.3.
Variant type: single nucleotide variant.
Coding change: c.1090G>A on transcript NM_006371.5 (MANE Select); coding-DNA position 1090, G replaced by A.
Protein change: p.Val364Met; replaces valine 364 with methionine.
Molecular consequence: missense variant. On other transcripts: intron variant (1).
Genome position (GRCh38, 1-based): chr3:33,134,203, G>A. VCF-style: chr3-33134203-G-A. GRCh37 (hg19) VCF-style: chr3-33175695-G-A.
Other names: c.961G>A, p.Val321Met (NM_001393364.1); c.940G>A, p.Val314Met (NM_001393365.1); c.1068+1503G>A (NM_001393363.1); short protein forms V314M, V321M, V364M.
Identifiers: ClinVar variation 1303989 (VCV001303989.2), dbSNP rs2125604584, ClinGen allele CA351998092.